The following is an entry in ClinVar:

NM_052947.4(ALPK2):c.3363C>A (p.Ser1121Arg)

Gene: ALPK2 (alpha kinase 2; minus strand). Cytogenetic location: 18q21.31.
Variant type: single nucleotide variant.
Coding change: c.3363C>A on transcript NM_052947.4 (MANE Select); coding-DNA position 3363, C replaced by A.
Protein change: p.Ser1121Arg; replaces serine 1121 with arginine.
Molecular consequence: missense variant.
Genome position (GRCh38, 1-based): chr18:58,536,824, G>T on the plus strand (C>A on the coding strand, the complement: ALPK2 is on the minus strand). VCF-style: chr18-58536824-G-T. GRCh37 (hg19) VCF-style: chr18-56204056-G-T.
Other names: short protein forms S1121R.
Identifiers: ClinVar variation 1730634 (VCV001730634.3), dbSNP rs767086310, ClinGen allele CA8976921.
Genomic context (GRCh38, chr18:58,536,824, plus strand): 5'-GCTCTGCTGCTGGACCCCCTGCTTTGTTTCACTTCCTCTTTCTTGGAAATTCTCTTCATA[G>T]CTCCTAAAGTCTGCTCTGTCCACAGTCTGGCTCTTATCTCCAGACAGGTTATCAACCTGA-3'
Protein context (NP_443179.3, residues 1111-1131): SQTVDRADFR[Ser1121Arg]YEENFQERGS

ClinVar aggregate classification (germline): Uncertain significance (1 of 4 stars; one submission).

Allele frequency attached by ClinVar (database versions not stated): ExAC 0.00001.

Submission:

Ambry Genetics
Classification: Uncertain significance. Last evaluated: 2023-08-26. Review status: criteria provided, single submitter. Criteria: Ambry Variant Classification Scheme 2023. Collection method: clinical testing. Allele origin: germline.
Comment: The p.S1121R variant (also known as c.3363C>A), located in coding exon 4 of the ALPK2 gene, results from a C to A substitution at nucleotide position 3363. The serine at codon 1121 is replaced by arginine, an amino acid with dissimilar properties. This amino acid position is conserved. In addition, this alteration is predicted to be tolerated by in silico analysis. Since supporting evidence is limited at this time, the clinical significance of this alteration remains unclear.